The following is an entry in ClinVar:

ClinVar aggregate classification (germline): Uncertain significance (1 of 4 stars; one submission).

Conditions:
Pyruvate dehydrogenase E2 deficiency (PDHDD). Also called: Dihydrolipoamide Acetyltransferase (E2) Deficiency; LACTIC ACIDEMIA DUE TO DEFECT OF E2 LIPOYL TRANSACETYLASE OF THE PYRUVATE DEHYDROGENASE COMPLEX. Identifiers: Orphanet 765, Orphanet 79244, MedGen C1855565, MONDO:0009502, OMIM 245348.

Allele frequency attached by ClinVar (database versions not stated): gnomAD 0.00001.
gnomAD v4.1: 1 of 1,610,544 alleles (0.000062%); highest among the groups gnomAD compares: Admixed American, 0.0017%; no homozygotes.

Submission:

Labcorp Genetics (formerly Invitae), Labcorp
Classification: Uncertain significance for Pyruvate dehydrogenase E2 deficiency. Last evaluated: 2021-10-22. Review status: criteria provided, single submitter. Criteria: Invitae Variant Classification Sherloc (09022015). Collection method: clinical testing. Allele origin: germline.
Comment: This sequence change replaces glutamic acid with lysine at codon 557 of the DLAT protein (p.Glu557Lys). The glutamic acid residue is highly conserved and there is a small physicochemical difference between glutamic acid and lysine. This variant is not present in population databases (ExAC no frequency). This variant has not been reported in the literature in individuals affected with DLAT-related conditions. Advanced modeling of protein sequence and biophysical properties (such as structural, functional, and spatial information, amino acid conservation, physicochemical variation, residue mobility, and thermodynamic stability) performed at Invitae indicates that this missense variant is expected to disrupt DLAT protein function. In summary, the available evidence is currently insufficient to determine the role of this variant in disease. Therefore, it has been classified as a Variant of Uncertain Significance.

NM_001931.5(DLAT):c.1669G>A (p.Glu557Lys)

Genes: DLAT (dihydrolipoamide S-acetyltransferase; plus strand), PIH1D2 (PIH1 domain containing 2; minus strand). Cytogenetic location: 11q23.1.
Variant type: single nucleotide variant.
Coding change: c.1669G>A on transcript NM_001931.5 (MANE Select); coding-DNA position 1669, G replaced by A.
Protein change: p.Glu557Lys; replaces glutamic acid 557 with lysine.
Molecular consequence: missense variant. On other transcripts: non-coding transcript variant (1).
Genome position (GRCh38, 1-based): chr11:112,060,057, G>A. VCF-style: chr11-112060057-G-A. GRCh37 (hg19) VCF-style: chr11-111930781-G-A.
Other names: c.1687G>A, p.Glu563Lys (NM_001372031.1); c.1663G>A, p.Glu555Lys (NM_001372032.1); c.1648G>A, p.Glu550Lys (NM_001372033.1); c.1636G>A, p.Glu546Lys (NM_001372034.1); c.1561G>A, p.Glu521Lys (NM_001372035.1); c.1543G>A, p.Glu515Lys (NM_001372036.1); c.1501G>A, p.Glu501Lys (NM_001372037.1); c.1390G>A, p.Glu464Lys (NM_001372038.1); and 4 more; short protein forms E464K, E546K, E555K, E416K, E452K, E501K, E515K, E550K.
Identifiers: ClinVar variation 1507602 (VCV001507602.3), dbSNP rs1864460815, ClinGen allele CA382617825.
Genomic context (GRCh38, chr11:112,060,057, plus strand): 5'-ATTGCTAATGATGTTGTTTCTTTAGCAACCAAAGCAAGAGAGGGTAAACTACAGCCACAT[G>A]AATTCCAGGTAGGGTATTAATTATTGCTTTCTAATTATGTTATTTTTAAGGTTTGCATAA-3'
Protein context (NP_001922.2, residues 547-567): KAREGKLQPH[Glu557Lys]FQGGTFTISN